The following is an entry in ClinVar:

NM_017807.4(OSGEP):c.362C>T (p.Thr121Ile)

Genes: OSGEP (O-sialoglycoprotein endopeptidase; minus strand), LOC107372315 (OSGEP/APEX1 bi-directional promoter region; plus strand). Cytogenetic location: 14q11.2.
Variant type: single nucleotide variant.
Coding change: c.362C>T on transcript NM_017807.4 (MANE Select); coding-DNA position 362, C replaced by T.
Protein change: p.Thr121Ile; replaces threonine 121 with isoleucine.
Molecular consequence: missense variant.
Genome position (GRCh38, 1-based): chr14:20,452,023, G>A on the plus strand (C>T on the coding strand, the complement: OSGEP is on the minus strand). VCF-style: chr14-20452023-G-A. GRCh37 (hg19) VCF-style: chr14-20920182-G-A.
Other names: short protein forms T121I.
Identifiers: ClinVar variation 3600749 (VCV003600749.2).

ClinVar aggregate classification (germline): Uncertain significance (1 of 4 stars; one submission).

Submission:

GeneDx
Classification: Uncertain significance. Last evaluated: 2025-06-08. Review status: criteria provided, single submitter. Criteria: GeneDx Variant Classification Process June 2021. Collection method: clinical testing. Allele origin: germline. Affected: yes.
Comment: Not observed at significant frequency in large population cohorts (gnomAD); In silico analysis supports that this missense variant has a deleterious effect on protein structure/function; Has not been previously published as pathogenic or benign to our knowledge